The following is an entry in ClinVar:

NM_033109.5(PNPT1):c.312A>T (p.Gln104His)

Gene: PNPT1 (polyribonucleotide nucleotidyltransferase 1; minus strand). Cytogenetic location: 2p16.1.
Variant type: single nucleotide variant.
Coding change: c.312A>T on transcript NM_033109.5 (MANE Select); coding-DNA position 312, A replaced by T.
Protein change: p.Gln104His; replaces glutamine 104 with histidine.
Molecular consequence: missense variant.
Genome position (GRCh38, 1-based): chr2:55,685,034, T>A on the plus strand (A>T on the coding strand, the complement: PNPT1 is on the minus strand). VCF-style: chr2-55685034-T-A. GRCh37 (hg19) VCF-style: chr2-55912169-T-A.
Other names: c.312A>T (NM_033109.3); short protein forms Q104H.
Identifiers: ClinVar variation 2133779 (VCV002133779.5), dbSNP rs539047402, ClinGen allele CA1668538.
Genomic context (GRCh38, chr2:55,685,034, plus strand): 5'-AGAAGTACCAATCTCTCTTCTCAGATAGTTTGTGGGAATTCTACCTGCTGCAGCAGCTTT[T>A]TGTCTGTAGTCAACCTGAAGCAGCAATAAAAAAAAGTTCATATAATTCTTTTTGCAGAAA-3'
Protein context (NP_149100.2, residues 94-114): QFMPLVVDYR[Gln104His]KAAAAGRIPT

ClinVar aggregate classification (germline): Uncertain significance. Review status: criteria provided, multiple submitters, no conflicts (2 of 4 stars). 2 submissions from 2 submitters: Uncertain significance (2). Last evaluated 2024-03-26.

Conditions:
Inborn genetic diseases. Identifiers: MedGen C0950123, MeSH D030342.

Allele frequency attached by ClinVar (database versions not stated): gnomAD 0.00001; 1000 Genomes Project 0.00040; 1000 Genomes Project 30x 0.00047.
gnomAD v4.1: 5 of 1,590,578 alleles (0.00031%); highest among the groups gnomAD compares: East Asian, 0.011%; no homozygotes.

Submissions (2):

Ambry Genetics
Classification: Uncertain significance for Inborn genetic diseases. Last evaluated: 2024-03-26. Review status: criteria provided, single submitter. Criteria: Ambry Variant Classification Scheme 2023. Collection method: clinical testing. Allele origin: germline.

Labcorp Genetics (formerly Invitae), Labcorp
Classification: Uncertain significance. Last evaluated: 2022-05-17. Review status: criteria provided, single submitter. Criteria: Invitae Variant Classification Sherloc (09022015). Collection method: clinical testing. Allele origin: germline.
Comment: Advanced modeling of protein sequence and biophysical properties (such as structural, functional, and spatial information, amino acid conservation, physicochemical variation, residue mobility, and thermodynamic stability) performed at Invitae indicates that this missense variant is expected to disrupt PNPT1 protein function. This variant has not been reported in the literature in individuals affected with PNPT1-related conditions. This variant is present in population databases (rs539047402, gnomAD 0.02%). This sequence change replaces glutamine, which is neutral and polar, with histidine, which is basic and polar, at codon 104 of the PNPT1 protein (p.Gln104His). In summary, the available evidence is currently insufficient to determine the role of this variant in disease. Therefore, it has been classified as a Variant of Uncertain Significance.